The following is an entry in ClinVar:

NM_174936.4(PCSK9):c.478C>T (p.Arg160Trp)

Gene: PCSK9 (proprotein convertase subtilisin/kexin type 9; plus strand). Cytogenetic location: 1p32.3.
Variant type: single nucleotide variant.
Coding change: c.478C>T on transcript NM_174936.4 (MANE Select); coding-DNA position 478, C replaced by T.
Protein change: p.Arg160Trp; replaces arginine 160 with tryptophan.
Molecular consequence: missense variant.
Genome position (GRCh38, 1-based): chr1:55,046,601, C>T. VCF-style: chr1-55046601-C-T. GRCh37 (hg19) VCF-style: chr1-55512274-C-T.
Other names: short protein forms R160W.
Identifiers: ClinVar variation 839590 (VCV000839590.21), dbSNP rs200505188, ClinGen allele CA22797776.

ClinVar aggregate classification (germline): Uncertain significance. Review status: criteria provided, multiple submitters, no conflicts (2 of 4 stars). 7 submissions from 7 submitters: Uncertain significance (7). Last evaluated 2025-12-08.

Conditions:
Cardiovascular phenotype. Identifiers: MedGen CN230736.
Hypercholesterolemia, autosomal dominant, 3 (FHCL3). Also called: PCSK9-Related Familial Hypercholesterolemia, Autosomal Dominant; Familial Hypercholesterolemia, Autosomal Dominant, 3; Familial hypercholesterolemia 3. Identifiers: MedGen C1863551, MONDO:0011369, OMIM 603776.
Familial hypercholesterolemia. Also called: Familial hypercholesterolemias; Familial hypercholesterolaemia. Identifiers: MedGen C0020445, MONDO:0005439.

Allele frequency attached by ClinVar (database versions not stated): gnomAD 0.00001; gnomAD exomes 0.00001; TOPMed 0.00002.
gnomAD v4.1: 10 of 1,614,062 alleles (0.00062%); highest among the groups gnomAD compares: African/African-American, 0.0027%; no homozygotes.

Submissions (7):

Color Diagnostics, LLC DBA Color Health
Classification: Uncertain significance for Familial hypercholesterolemia. Last evaluated: 2025-12-08. Review status: criteria provided, single submitter. Criteria: ACMG Guidelines, 2015. Collection method: clinical testing. Allele origin: germline.
Comment: This missense variant replaces arginine with tryptophan at codon 160 of the PCSK9 protein. Computational prediction suggests that this variant may have a deleterious impact on protein structure and function. To our knowledge, functional studies have not been reported for this variant. This variant has not been reported in individuals affected with PCSK9-related disorders in the literature. This variant has not been identified in the general population by the Genome Aggregation Database (gnomAD). The available evidence is insufficient to determine the role of this variant in disease conclusively. Therefore, this variant is classified as a Variant of Uncertain Significance.

Women's Health and Genetics/Laboratory Corporation of America, LabCorp
Classification: Uncertain significance. Last evaluated: 2025-06-12. Review status: criteria provided, single submitter. Criteria: LabCorp Variant Classification Summary - May 2015. Collection method: clinical testing. Allele origin: germline.

Ambry Genetics
Classification: Uncertain significance for Cardiovascular phenotype. Last evaluated: 2025-02-23. Review status: criteria provided, single submitter. Criteria: Ambry Variant Classification Scheme 2023. Collection method: clinical testing. Allele origin: germline.
Comment: The p.R160W variant (also known as c.478C>T), located in coding exon 3 of the PCSK9 gene, results from a C to T substitution at nucleotide position 478. The arginine at codon 160 is replaced by tryptophan, an amino acid with dissimilar properties. This amino acid position is conserved. In addition, the in silico prediction for this alteration is inconclusive. Since supporting evidence is limited at this time, the clinical significance of this alteration remains unclear.

Blueprint Genetics
Classification: Uncertain significance. Last evaluated: 2024-05-13. Review status: criteria provided, single submitter. Criteria: ACMG Guidelines, 2015. Collection method: clinical testing. Allele origin: germline.

All of Us Research Program, National Institutes of Health
Classification: Uncertain significance for Hypercholesterolemia, autosomal dominant, 3. Last evaluated: 2024-04-16. Review status: criteria provided, single submitter. Criteria: ACMG Guidelines, 2015. Collection method: clinical testing. Allele origin: germline. Inheritance: Autosomal dominant inheritance. Observed: 7 variant alleles, 7 heterozygotes.
Comment: This missense variant replaces arginine with tryptophan at codon 160 of the PCSK9 protein. Computational prediction tools and conservation analyses suggest that this variant may have deleterious impact on the protein function. Computational splicing tools suggest that this variant may not impact RNA splicing. To our knowledge, functional assays have not been performed for this variant nor has this variant been reported in individuals affected with familial hypercholesterolemia in the literature. This variant has not been identified in the general population by the Genome Aggregation Database (gnomAD). Available evidence is insufficient to determine the role of this variant in disease conclusively. Therefore, this variant is classified as a Variant of Uncertain Significance.

This study involves interpretation of variants in research participants for the purpose of population health screening. Participant phenotype was not available at the time of variant classification. Additional details can be found in publication PMID: 35346344, PMCID: PMC8962531

Labcorp Genetics (formerly Invitae), Labcorp
Classification: Uncertain significance for Hypercholesterolemia, autosomal dominant, 3. Last evaluated: 2021-08-27. Review status: criteria provided, single submitter. Criteria: Invitae Variant Classification Sherloc (09022015). Collection method: clinical testing. Allele origin: germline.
Comment: This sequence change replaces arginine with tryptophan at codon 160 of the PCSK9 protein (p.Arg160Trp). The arginine residue is highly conserved and there is a moderate physicochemical difference between arginine and tryptophan. This variant is not present in population databases (ExAC no frequency). This variant has not been reported in the literature in individuals affected with PCSK9-related conditions. Algorithms developed to predict the effect of missense changes on protein structure and function are either unavailable or do not agree on the potential impact of this missense change (SIFT: "Deleterious"; PolyPhen-2: "Probably Damaging"; Align-GVGD: "Class C0"). In summary, the available evidence is currently insufficient to determine the role of this variant in disease. Therefore, it has been classified as a Variant of Uncertain Significance.

Fulgent Genetics
Classification: Uncertain significance for Hypercholesterolemia, autosomal dominant, 3. Last evaluated: 2021-08-15. Review status: criteria provided, single submitter. Criteria: ACMG Guidelines, 2015. Collection method: clinical testing. Allele origin: unknown.